The following is an entry in ClinVar:

NM_005359.6(SMAD4):c.1139+1_1139+4dup

Gene: SMAD4 (SMAD family member 4; plus strand). Cytogenetic location: 18q21.2.
Variant type: Duplication.
Coding change: c.1139+1_1139+4dup on transcript NM_005359.6 (MANE Select); the canonical splice donor site of the intron after coding-DNA position 1139 through 4 bases into the intron after coding-DNA position 1139, 4 bases duplicated (GTAT; older notation c.1139+1_1139+4dupGTAT).
Molecular consequence: splice donor variant. On other transcripts: frameshift variant (1), stop lost (1).
Genome position (GRCh38, 1-based): chr18:51,065,607-51,065,610, GTAT duplicated. VCF-style (leftmost placement, unchanged base first): chr18-51065606-G-GGTAT. GRCh37 (hg19) VCF-style: chr18-48591976-G-GGTAT.
Other names: c.1140_1143dup, p.Ter382Valfs (NM_001407043.1).
Identifiers: ClinVar variation 1730487 (VCV001730487.7), dbSNP rs745878382, ClinGen allele CA8965987.

ClinVar aggregate classification (germline): Uncertain significance. Review status: criteria provided, multiple submitters, no conflicts (2 of 4 stars). 3 submissions from 3 submitters: Uncertain significance (3). Last evaluated 2023-09-17.

Conditions:
Familial thoracic aortic aneurysm and aortic dissection (TAAD). Also called: Thoracic aortic aneurysms and dissections. Identifiers: Orphanet 91387, MedGen C4707243, MONDO:0019625.
Hereditary cancer-predisposing syndrome. Also called: Neoplastic Syndromes, Hereditary; Tumor predisposition; Hereditary Cancer Syndrome; Hereditary neoplastic syndrome. Identifiers: Orphanet 140162, MedGen C0027672, MeSH D009386, MONDO:0015356.
Juvenile polyposis syndrome (JPS). Identifiers: Orphanet 2929, MedGen C0345893, MONDO:0017380, OMIM 174900.

Allele frequency attached by ClinVar (database versions not stated): gnomAD exomes below 0.00001; ExAC 0.00001.

Submissions (3):

Labcorp Genetics (formerly Invitae), Labcorp
Classification: Uncertain significance for Juvenile polyposis syndrome. Last evaluated: 2023-09-17. Review status: criteria provided, single submitter. Criteria: Invitae Variant Classification Sherloc (09022015). Collection method: clinical testing. Allele origin: germline.
Comment: This sequence change falls in intron 9 of the SMAD4 gene. It does not directly change the encoded amino acid sequence of the SMAD4 protein. It affects a nucleotide within the consensus splice site. This variant is present in population databases (rs745878382, gnomAD 0.003%). This variant has not been reported in the literature in individuals affected with SMAD4-related conditions. ClinVar contains an entry for this variant (Variation ID: 1730487). Variants that disrupt the consensus splice site are a relatively common cause of aberrant splicing (PMID: 17576681, 9536098). RNA analysis performed to evaluate the impact of this variant on mRNA splicing indicates it does not significantly alter splicing (Invitae). In summary, the available evidence is currently insufficient to determine the role of this variant in disease. Therefore, it has been classified as a Variant of Uncertain Significance.

Ambry Genetics
Classification: Uncertain significance for Hereditary cancer-predisposing syndrome; Familial thoracic aortic aneurysm and aortic dissection. Last evaluated: 2022-09-09. Review status: criteria provided, single submitter. Criteria: Ambry Variant Classification Scheme 2023. Collection method: clinical testing. Allele origin: germline.
Comment: The c.1139+1_1139+4dupGTAT intronic variant, results from a duplication of four nucleotides at nucleotide position 1139 after intron 8 of the SMAD4 gene. This nucleotide position is well conserved in available vertebrate species. In silico splice site analysis predicts that this alteration will not have any significant effect on splicing; however, direct evidence is insufficient at this time (Ambry internal data). Since supporting evidence is limited at this time, the clinical significance of this alteration remains unclear.

Color Diagnostics, LLC DBA Color Health
Classification: Uncertain significance for Hereditary cancer-predisposing syndrome. Last evaluated: 2021-10-11. Review status: criteria provided, single submitter. Criteria: ACMG Guidelines, 2015. Collection method: clinical testing. Allele origin: germline.
Comment: This variant causes a 4 nucleotide duplication of the +1 to +4 donor sequence in intron 9 of the SMAD4 gene. To our knowledge, RNA functional studies have not been reported for this variant. This variant has not been reported in individuals affected with hereditary cancer in the literature. This variant has been identified in 1/251284 chromosomes in the general population by the Genome Aggregation Database (gnomAD). The available evidence is insufficient to determine the role of this variant in disease conclusively. Therefore, this variant is classified as a Variant of Uncertain Significance.

Literature cited by the submitters: PubMed 17576681 (cited by Labcorp Genetics (formerly Invitae), Labcorp); PubMed 9536098 (cited by Labcorp Genetics (formerly Invitae), Labcorp).